The following is an entry in ClinVar:

ClinVar aggregate classification (germline): Uncertain significance (1 of 4 stars; one submission).

Submission:

GeneDx
Classification: Uncertain significance. Last evaluated: 2022-01-28. Review status: criteria provided, single submitter. Criteria: GeneDx Variant Classification Process June 2021. Collection method: clinical testing. Allele origin: germline. Affected: yes.
Comment: Not observed at significant frequency in large population cohorts (gnomAD); In silico analysis supports that this missense variant does not alter protein structure/function; Has not been previously published as pathogenic or benign to our knowledge

NM_005629.4(SLC6A8):c.1888G>T (p.Val630Leu)

Gene: SLC6A8 (solute carrier family 6 member 8; plus strand). Cytogenetic location: Xq28.
Variant type: single nucleotide variant.
Coding change: c.1888G>T on transcript NM_005629.4 (MANE Select); coding-DNA position 1888, G replaced by T.
Protein change: p.Val630Leu; replaces valine 630 with leucine.
Molecular consequence: missense variant.
Genome position (GRCh38, 1-based): chrX:153,695,194, G>T. VCF-style: chrX-153695194-G-T. GRCh37 (hg19) VCF-style: chrX-152960649-G-T.
Other names: c.1858G>T, p.Val620Leu (NM_001142805.2); c.1543G>T, p.Val515Leu (NM_001142806.1); short protein forms V515L, V620L, V630L.
Identifiers: ClinVar variation 1699829 (VCV001699829.2), dbSNP rs373570632, ClinGen allele CA415091302.
Genomic context (GRCh38, chrX:153,695,194, plus strand): 5'-GACGCAGATGTCAGGGGCCTGACCACCCTGACCCCAGTGTCCGAGAGCAGCAAGGTCGTC[G>T]TGGTGGAGAGTGTCATGTGACAACTCAGCTCACATCACCAGCTCACCTCTGGTAGCCATA-3'
Protein context (NP_005620.1, residues 620-635): TPVSESSKVV[Val630Leu]VESVM